The following is an entry in ClinVar:

ClinVar aggregate classification (germline): Uncertain significance. Review status: criteria provided, multiple submitters, no conflicts (2 of 4 stars). 2 submissions from 2 submitters: Uncertain significance (2). Last evaluated 2025-05-06.

Conditions:
Craniolenticulosutural dysplasia (CLSD). Also called: BOYADJIEV-JABS SYNDROME. Identifiers: Orphanet 50814, MedGen C1843042, MONDO:0011911, OMIM 607812.

Allele frequency attached by ClinVar (database versions not stated): ExAC 0.00001; gnomAD 0.00001; gnomAD exomes 0.00001 and 0.00002.
gnomAD v4.1: 30 of 1,613,644 alleles (0.0019%); highest among the groups gnomAD compares: Non-Finnish European, 0.0024%; no homozygotes.

Submissions (2):

Ambry Genetics
Classification: Uncertain significance. Last evaluated: 2025-05-06. Review status: criteria provided, single submitter. Criteria: Ambry Variant Classification Scheme 2023. Collection method: clinical testing. Allele origin: germline.

Labcorp Genetics (formerly Invitae), Labcorp
Classification: Uncertain significance for Craniolenticulosutural dysplasia. Last evaluated: 2022-06-27. Review status: criteria provided, single submitter. Criteria: Invitae Variant Classification Sherloc (09022015). Collection method: clinical testing. Allele origin: germline.
Comment: Algorithms developed to predict the effect of missense changes on protein structure and function are either unavailable or do not agree on the potential impact of this missense change (SIFT: "Not Available"; PolyPhen-2: "Benign"; Align-GVGD: "Not Available"). In summary, the available evidence is currently insufficient to determine the role of this variant in disease. Therefore, it has been classified as a Variant of Uncertain Significance. This sequence change replaces isoleucine with valine at codon 622 of the SEC23A protein (p.Ile622Val). The isoleucine residue is moderately conserved and there is a small physicochemical difference between isoleucine and valine. This variant is present in population databases (rs767767591, gnomAD 0.002%). This variant has not been reported in the literature in individuals affected with SEC23A-related conditions.

NM_006364.4(SEC23A):c.1864A>G (p.Ile622Val)

Gene: SEC23A (SEC23 homolog A, COPII component; minus strand). Cytogenetic location: 14q21.1.
Variant type: single nucleotide variant.
Coding change: c.1864A>G on transcript NM_006364.4 (MANE Select); coding-DNA position 1864, A replaced by G.
Protein change: p.Ile622Val; replaces isoleucine 622 with valine.
Molecular consequence: missense variant.
Genome position (GRCh38, 1-based): chr14:39,045,198, T>C on the plus strand (A>G on the coding strand, the complement: SEC23A is on the minus strand). VCF-style: chr14-39045198-T-C. GRCh37 (hg19) VCF-style: chr14-39514402-T-C.
Other names: c.1864A>G (NM_006364.2); short protein forms I622V.
Identifiers: ClinVar variation 1357415 (VCV001357415.7), dbSNP rs767767591, ClinGen allele CA7161739.